The following is an entry in ClinVar:

ClinVar aggregate classification (germline): Uncertain significance (1 of 4 stars; one submission).

Submission:

GeneDx
Classification: Uncertain significance. Last evaluated: 2024-06-04. Review status: criteria provided, single submitter. Criteria: GeneDx Variant Classification Process June 2021. Collection method: clinical testing. Allele origin: germline. Affected: yes.
Comment: Not observed at significant frequency in large population cohorts (gnomAD); In silico analysis supports that this missense variant has a deleterious effect on protein structure/function; Has not been previously published as pathogenic or benign to our knowledge

NM_006267.5(RANBP2):c.4064G>C (p.Trp1355Ser)

Gene: RANBP2 (RAN binding protein 2; plus strand). Cytogenetic location: 2q13.
Variant type: single nucleotide variant.
Coding change: c.4064G>C on transcript NM_006267.5 (MANE Select); coding-DNA position 4064, G replaced by C.
Protein change: p.Trp1355Ser; replaces tryptophan 1355 with serine.
Molecular consequence: missense variant.
Genome position (GRCh38, 1-based): chr2:108,764,603, G>C. VCF-style: chr2-108764603-G-C. GRCh37 (hg19) VCF-style: chr2-109381059-G-C.
Other names: c.4064G>C, p.Trp1355Ser (NM_001415871.1, NM_001415873.1); c.4061G>C, p.Trp1354Ser (NM_001415872.1); short protein forms W1354S, W1355S.
Identifiers: ClinVar variation 3384570 (VCV003384570.1).
Genomic context (GRCh38, chr2:108,764,603, plus strand): 5'-GCAAATCTGATGCTGGAAACCTGAATTTTGAATTTCAGGTTGCAAAGAAAGAAGGGTCTT[G>C]GTGGCATTGTAACAGCTGCTCATTAAAGAATGCTTCAACTGCTAAGAAATGTGTATCATG-3'
Protein context (NP_006258.3, residues 1345-1365): EFQVAKKEGS[Trp1355Ser]WHCNSCSLKN